The following is an entry in ClinVar:

ClinVar aggregate classification (germline): Uncertain significance (1 of 4 stars; one submission).

Conditions:
Cardiovascular phenotype. Identifiers: MedGen CN230736.

Submission:

Ambry Genetics
Classification: Uncertain significance for Cardiovascular phenotype. Last evaluated: 2026-06-18. Review status: criteria provided, single submitter. Criteria: Ambry Variant Classification Scheme 2023. Collection method: clinical testing. Allele origin: germline.
Comment: The p.H565Y variant (also known as c.1693C>T), located in coding exon 13 of the ENG gene, results from a C to T substitution at nucleotide position 1693. The histidine at codon 565 is replaced by tyrosine, an amino acid with similar properties. This amino acid position is conserved. In addition, this alteration is predicted to be tolerated by in silico analysis. Based on the available evidence, the clinical significance of this variant remains unclear.

NM_001114753.3(ENG):c.1693C>T (p.His565Tyr)

Genes: ENG (endoglin; minus strand), LOC102723566 (uncharacterized LOC102723566; plus strand). Cytogenetic location: 9q34.11.
Variant type: single nucleotide variant.
Coding change: c.1693C>T on transcript NM_001114753.3 (MANE Select); coding-DNA position 1693, C replaced by T.
Protein change: p.His565Tyr; replaces histidine 565 with tyrosine.
Molecular consequence: missense variant. On other transcripts: non-coding transcript variant (1).
Genome position (GRCh38, 1-based): chr9:127,817,197, G>A on the plus strand (C>T on the coding strand, the complement: ENG is on the minus strand). VCF-style: chr9-127817197-G-A. GRCh37 (hg19) VCF-style: chr9-130579476-G-A.
Other names: c.1693C>T, p.His565Tyr (NM_000118.4); c.1147C>T, p.His383Tyr (NM_001278138.2); short protein forms H565Y, H383Y.
Identifiers: ClinVar variation 5035948 (VCV005035948.1).